The following is an entry in ClinVar:

NM_001199107.2(TBC1D24):c.-30C>T

Gene: TBC1D24 (TBC1 domain family member 24; plus strand). Cytogenetic location: 16p13.3.
Variant type: single nucleotide variant.
Coding change: c.-30C>T on transcript NM_001199107.2 (MANE Select); 30 bases upstream of the start codon, C replaced by T.
Molecular consequence: 5 prime UTR variant.
Genome position (GRCh38, 1-based): chr16:2,496,119, C>T. VCF-style: chr16-2496119-C-T. GRCh37 (hg19) VCF-style: chr16-2546120-C-T.
Other names: c.-30C>T (NM_020705.3).
Identifiers: ClinVar variation 516722 (VCV000516722.1), dbSNP rs371415659, ClinGen allele CA7843896.

ClinVar aggregate classification (germline): Likely benign (1 of 4 stars; one submission).

Allele frequency attached by ClinVar (database versions not stated): gnomAD 0.00001; TOPMed 0.00004 and 0.00002; ESP Exome Variant Server 0.00008; ExAC 0.00001; gnomAD exomes below 0.00001.
gnomAD v4.1: 2 of 1,613,024 alleles (0.00012%); highest among the groups gnomAD compares: Non-Finnish European, 0.00017%; no homozygotes.

Submission:

GeneDx
Classification: Likely benign. Last evaluated: 2018-02-21. Review status: criteria provided, single submitter. Criteria: GeneDx Variant Classification (06012015). Collection method: clinical testing. Allele origin: germline. Affected: yes.
Comment: This variant is considered likely benign or benign based on one or more of the following criteria: it is a conservative change, it occurs at a poorly conserved position in the protein, it is predicted to be benign by multiple in silico algorithms, and/or has population frequency not consistent with disease.